The following is an entry in ClinVar:

ClinVar aggregate classification (germline): Uncertain significance. Review status: criteria provided, multiple submitters, no conflicts (2 of 4 stars). 3 submissions from 3 submitters: Uncertain significance (3). Last evaluated 2025-04-08.

Allele frequency attached by ClinVar (database versions not stated): TOPMed 0.00002; gnomAD exomes 0.00003; ExAC 0.00004; gnomAD 0.00004.
gnomAD v4.1: 48 of 1,608,688 alleles (0.003%); highest among the groups gnomAD compares: South Asian, 0.017%; no homozygotes.

Submissions (3):

Labcorp Genetics (formerly Invitae), Labcorp
Classification: Uncertain significance. Last evaluated: 2025-04-08. Review status: criteria provided, single submitter. Criteria: Invitae Variant Classification Sherloc (09022015). Collection method: clinical testing. Allele origin: germline.
Comment: This sequence change replaces arginine, which is basic and polar, with tryptophan, which is neutral and slightly polar, at codon 221 of the RNF43 protein (p.Arg221Trp). This variant is present in population databases (rs748533737, gnomAD 0.01%). This variant has not been reported in the literature in individuals affected with RNF43-related conditions. ClinVar contains an entry for this variant (Variation ID: 1024085). An algorithm developed to predict the effect of missense changes on protein structure and function (PolyPhen-2) suggests that this variant is likely to be disruptive. In summary, the available evidence is currently insufficient to determine the role of this variant in disease. Therefore, it has been classified as a Variant of Uncertain Significance.

Ambry Genetics
Classification: Uncertain significance. Last evaluated: 2024-12-21. Review status: criteria provided, single submitter. Criteria: Ambry Variant Classification Scheme 2023. Collection method: clinical testing. Allele origin: germline.
Comment: The p.R221W variant (also known as c.661C>T), located in coding exon 5 of the RNF43 gene, results from a C to T substitution at nucleotide position 661. The arginine at codon 221 is replaced by tryptophan, an amino acid with dissimilar properties. This amino acid position is not well conserved in available vertebrate species. In addition, this alteration is predicted to be tolerated by in silico analysis. The evidence for this gene-disease relationship is limited; therefore, the clinical significance of this alteration is unclear.

GeneDx
Classification: Uncertain significance. Last evaluated: 2023-10-27. Review status: criteria provided, single submitter. Criteria: GeneDx Variant Classification Process June 2021. Collection method: clinical testing. Allele origin: germline. Affected: yes.
Comment: In silico analysis supports that this missense variant has a deleterious effect on protein structure/function; Has not been previously published as pathogenic or benign to our knowledge; Variants in candidate genes are classified as variants of uncertain significance in accordance with ACMG guidelines (PMID: 25741868)

NM_017763.6(RNF43):c.661C>T (p.Arg221Trp)

Gene: RNF43 (ring finger protein 43; minus strand). Cytogenetic location: 17q22.
Variant type: single nucleotide variant.
Coding change: c.661C>T on transcript NM_017763.6 (MANE Select); coding-DNA position 661, C replaced by T.
Protein change: p.Arg221Trp; replaces arginine 221 with tryptophan.
Molecular consequence: missense variant.
Genome position (GRCh38, 1-based): chr17:58,362,570, G>A on the plus strand (C>T on the coding strand, the complement: RNF43 is on the minus strand). VCF-style: chr17-58362570-G-A. GRCh37 (hg19) VCF-style: chr17-56439931-G-A.
Other names: c.661C>T, p.Arg221Trp (NM_001305544.3); c.280C>T, p.Arg94Trp (NM_001305545.2); short protein forms R221W, R94W.
Identifiers: ClinVar variation 1024085 (VCV001024085.10), dbSNP rs748533737, ClinGen allele CA8673355.